The following is an entry in ClinVar:

NM_000548.5(TSC2):c.290C>A (p.Ala97Asp)

Gene: TSC2 (TSC complex subunit 2; plus strand). Cytogenetic location: 16p13.3.
Variant type: single nucleotide variant.
Coding change: c.290C>A on transcript NM_000548.5 (MANE Select); coding-DNA position 290, C replaced by A.
Protein change: p.Ala97Asp; replaces alanine 97 with aspartic acid.
Molecular consequence: missense variant. On other transcripts: intron variant (2).
Genome position (GRCh38, 1-based): chr16:2,053,406, C>A. VCF-style: chr16-2053406-C-A. GRCh37 (hg19) VCF-style: chr16-2103407-C-A.
Other names: c.-527C>A (NM_001406680.1, NM_001406683.1, NM_001406687.1); c.-156C>A (NM_001406681.1); c.-1142C>A (NM_001406689.1, NM_001406690.1, NM_001406691.1 and 2 more transcripts); c.-1448C>A (NM_001406693.1); c.-1023C>A (NM_001406694.1, NM_001406695.1); c.-1130C>A (NM_001406696.1); c.-1318C>A (NM_001406698.1); c.290C>A, p.Ala97Asp (NM_001077183.3, NM_001114382.3, NM_001363528.2 and 10 more transcripts); and 4 more; short protein forms A97D, A108D, A48D.
Identifiers: ClinVar variation 2071933 (VCV002071933.5), dbSNP rs2151027838, ClinGen allele CA394305782.

ClinVar aggregate classification (germline): Uncertain significance. Review status: criteria provided, multiple submitters, no conflicts (2 of 4 stars). 2 submissions from 2 submitters: Uncertain significance (2). Last evaluated 2025-01-31.

Conditions:
Tuberous sclerosis 2 (TSC2). Identifiers: Orphanet 805, MedGen C1860707, MONDO:0013199, OMIM 613254.
Hereditary cancer-predisposing syndrome. Also called: Tumor predisposition; Hereditary Cancer Syndrome; Hereditary neoplastic syndrome; Neoplastic Syndromes, Hereditary. Identifiers: Orphanet 140162, MedGen C0027672, MeSH D009386, MONDO:0015356.

Submissions (2):

Ambry Genetics
Classification: Uncertain significance for Hereditary cancer-predisposing syndrome. Last evaluated: 2025-01-31. Review status: criteria provided, single submitter. Criteria: Ambry Variant Classification Scheme 2023. Collection method: clinical testing. Allele origin: germline.
Comment: The p.A97D variant (also known as c.290C>A), located in coding exon 3 of the TSC2 gene, results from a C to A substitution at nucleotide position 290. The alanine at codon 97 is replaced by aspartic acid, an amino acid with dissimilar properties. This amino acid position is conserved. In addition, this alteration is predicted to be deleterious by in silico analysis. Based on the available evidence, the clinical significance of this variant remains unclear.

Labcorp Genetics (formerly Invitae), Labcorp
Classification: Uncertain significance for Tuberous sclerosis 2. Last evaluated: 2022-01-03. Review status: criteria provided, single submitter. Criteria: Invitae Variant Classification Sherloc (09022015). Collection method: clinical testing. Allele origin: germline.
Comment: In summary, the available evidence is currently insufficient to determine the role of this variant in disease. Therefore, it has been classified as a Variant of Uncertain Significance. Advanced modeling of protein sequence and biophysical properties (such as structural, functional, and spatial information, amino acid conservation, physicochemical variation, residue mobility, and thermodynamic stability) performed at Invitae indicates that this missense variant is not expected to disrupt TSC2 protein function. This variant has not been reported in the literature in individuals affected with TSC2-related conditions. This variant is not present in population databases (gnomAD no frequency). This sequence change replaces alanine, which is neutral and non-polar, with aspartic acid, which is acidic and polar, at codon 97 of the TSC2 protein (p.Ala97Asp).